The following is an entry in ClinVar:

ClinVar aggregate classification (germline): Conflicting classifications of pathogenicity. Review status: criteria provided, conflicting classifications (1 of 4 stars). 4 submissions from 4 submitters: Uncertain significance (3); Likely benign (1). Last evaluated 2026-06-01.

Conditions:
Hereditary cancer-predisposing syndrome. Also called: Neoplastic Syndromes, Hereditary; Hereditary neoplastic syndrome; Tumor predisposition; Hereditary Cancer Syndrome. Identifiers: Orphanet 140162, MedGen C0027672, MeSH D009386, MONDO:0015356.
Ataxia-telangiectasia syndrome (AT). Also called: Ataxia-telangiectasia, complementation group E; Ataxia-telangiectasia, complementation group D; AT, COMPLEMENTATION GROUP C; ATAXIA-TELANGIECTASIA, COMPLEMENTATION GROUP A; ATAXIA-TELANGIECTASIA, FRESNO VARIANT; Ataxia-telangiectasia. Identifiers: Orphanet 100, MedGen C0004135, MONDO:0008840, OMIM 208900.

Allele frequency attached by ClinVar (database versions not stated): TOPMed 0.00001.
gnomAD v4.1: 3 of 1,614,112 alleles (0.00019%); highest among the groups gnomAD compares: Non-Finnish European, 0.00025%; no homozygotes.

Submissions (4):

CeGaT Center for Human Genetics Tuebingen
Classification: Uncertain significance. Last evaluated: 2026-06-01. Review status: criteria provided, single submitter. Criteria: CeGaT Center For Human Genetics Tuebingen Variant Classification Criteria Version 2. Collection method: clinical testing. Allele origin: germline. Affected: yes. Observed: 2 variant alleles.
Comment: ATM: PM2, BP4

Ambry Genetics
Classification: Likely benign for Hereditary cancer-predisposing syndrome. Last evaluated: 2024-09-09. Review status: criteria provided, single submitter. Criteria: Ambry Variant Classification Scheme 2023. Collection method: clinical testing. Allele origin: germline.

Labcorp Genetics (formerly Invitae), Labcorp
Classification: Uncertain significance for Ataxia-telangiectasia syndrome. Last evaluated: 2024-02-04. Review status: criteria provided, single submitter. Criteria: Invitae Variant Classification Sherloc (09022015). Collection method: clinical testing. Allele origin: germline.
Comment: This sequence change replaces isoleucine, which is neutral and non-polar, with valine, which is neutral and non-polar, at codon 665 of the ATM protein (p.Ile665Val). This variant is not present in population databases (gnomAD no frequency). This variant has not been reported in the literature in individuals affected with ATM-related conditions. ClinVar contains an entry for this variant (Variation ID: 407636). Algorithms developed to predict the effect of missense changes on protein structure and function output the following: SIFT: "Not Available"; PolyPhen-2: "Benign"; Align-GVGD: "Not Available". The valine amino acid residue is found in multiple mammalian species, which suggests that this missense change does not adversely affect protein function. In summary, the available evidence is currently insufficient to determine the role of this variant in disease. Therefore, it has been classified as a Variant of Uncertain Significance.

GeneDx
Classification: Uncertain significance. Last evaluated: 2022-12-13. Review status: criteria provided, single submitter. Criteria: GeneDx Variant Classification Process June 2021. Collection method: clinical testing. Allele origin: germline. Affected: yes.
Comment: Not observed at significant frequency in large population cohorts (gnomAD); In silico analysis supports that this missense variant does not alter protein structure/function; Has not been previously published as pathogenic or benign to our knowledge

NM_000051.4(ATM):c.1993A>G (p.Ile665Val)

Gene: ATM (ATM serine/threonine kinase; plus strand). Cytogenetic location: 11q22.3.
Variant type: single nucleotide variant.
Coding change: c.1993A>G on transcript NM_000051.4 (MANE Select); coding-DNA position 1993, A replaced by G.
Protein change: p.Ile665Val; replaces isoleucine 665 with valine.
Molecular consequence: missense variant.
Genome position (GRCh38, 1-based): chr11:108,253,908, A>G. VCF-style: chr11-108253908-A-G. GRCh37 (hg19) VCF-style: chr11-108124635-A-G.
Other names: c.1993A>G, p.Ile665Val (NM_001351834.2); short protein forms I665V.
Identifiers: ClinVar variation 407636 (VCV000407636.38), dbSNP rs1060501645, ClinGen allele CA16613020.